The following is an entry in ClinVar:

ClinVar aggregate classification (germline): Conflicting classifications of pathogenicity. Review status: criteria provided, conflicting classifications (1 of 4 stars). 5 submissions from 5 submitters: Uncertain significance (3); Likely benign (2). Last evaluated 2025-06-02.

Conditions:
Primary ciliary dyskinesia. Also called: Ciliary dyskinesia. Identifiers: Orphanet 244, MedGen C0008780, MONDO:0016575, HP:0012265.

Allele frequency attached by ClinVar (database versions not stated): gnomAD exomes 0.00004 and 0.00008; gnomAD 0.00005 and 0.00008; TOPMed 0.00006; ExAC 0.00007; 1000 Genomes Project 30x 0.00031; 1000 Genomes Project 0.00040.
gnomAD v4.1: 74 of 1,613,878 alleles (0.0046%); highest among the groups gnomAD compares: East Asian, 0.11%; no homozygotes.

Submissions (5):

Labcorp Genetics (formerly Invitae), Labcorp
Classification: Likely benign for Primary ciliary dyskinesia. Last evaluated: 2025-06-02. Review status: criteria provided, single submitter. Criteria: Invitae Variant Classification Sherloc (09022015). Collection method: clinical testing. Allele origin: germline.

CeGaT Center for Human Genetics Tuebingen
Classification: Uncertain significance. Last evaluated: 2025-02-01. Review status: criteria provided, single submitter. Criteria: CeGaT Center For Human Genetics Tuebingen Variant Classification Criteria Version 2. Collection method: clinical testing. Allele origin: germline. Affected: yes. Observed: 1 variant allele.
Comment: DNAH11: PM2

Mayo Clinic Laboratories, Mayo Clinic
Classification: Uncertain significance. Last evaluated: 2024-04-23. Review status: criteria provided, single submitter. Criteria: ACMG Guidelines, 2015. Collection method: clinical testing. Allele origin: germline. Observed: 1 variant allele.
Comment: PM3, PS4_moderate

Blueprint Genetics
Classification: Likely benign. Last evaluated: 2023-09-26. Review status: criteria provided, single submitter. Criteria: ACMG Guidelines, 2015. Collection method: clinical testing. Allele origin: germline.

GeneDx
Classification: Uncertain significance. Last evaluated: 2020-03-05. Review status: criteria provided, single submitter. Criteria: GeneDx Variant Classification Process June 2021. Collection method: clinical testing. Allele origin: germline. Affected: yes.
Comment: In silico analysis supports that this missense variant has a deleterious effect on protein structure/function; Observed with another DNAH11 variant (S2431I), phase unknown, in a patient with bronchiectasis in published literature (Guan et al., 2018); This variant is associated with the following publications: (PMID: 29997923, 32502479)

Literature cited by the submitters: PubMed 29997923 (cited by Mayo Clinic Laboratories, Mayo Clinic); PubMed 32502479 (cited by Mayo Clinic Laboratories, Mayo Clinic); PubMed 34134972 (cited by Mayo Clinic Laboratories, Mayo Clinic).

NM_001277115.2(DNAH11):c.9017C>T (p.Thr3006Met)

Gene: DNAH11 (dynein axonemal heavy chain 11; plus strand). Cytogenetic location: 7p15.3.
Variant type: single nucleotide variant.
Coding change: c.9017C>T on transcript NM_001277115.2 (MANE Select); coding-DNA position 9017, C replaced by T.
Protein change: p.Thr3006Met; replaces threonine 3006 with methionine.
Molecular consequence: missense variant.
Genome position (GRCh38, 1-based): chr7:21,765,504, C>T. VCF-style: chr7-21765504-C-T. GRCh37 (hg19) VCF-style: chr7-21805122-C-T.
Other names: p.Thr3006Met; short protein forms T3006M.
Identifiers: ClinVar variation 1304533 (VCV001304533.25), dbSNP rs537395849, ClinGen allele CA4181820.